The following is an entry in ClinVar:

ClinVar aggregate classification (germline): Uncertain significance. Review status: criteria provided, multiple submitters, no conflicts (2 of 4 stars). 2 submissions from 2 submitters: Uncertain significance (2). Last evaluated 2024-08-19.

Conditions:
Hereditary cancer-predisposing syndrome. Also called: Hereditary neoplastic syndrome; Neoplastic Syndromes, Hereditary; Tumor predisposition; Hereditary Cancer Syndrome. Identifiers: Orphanet 140162, MedGen C0027672, MeSH D009386, MONDO:0015356.
Ataxia-telangiectasia syndrome (AT). Also called: LOUIS-BAR SYNDROME; Cerebello-oculocutaneous telangiectasia; Immunodeficiency with ataxia telangiectasia; AT, COMPLEMENTATION GROUP C; Ataxia-telangiectasia, complementation group D; ATAXIA-TELANGIECTASIA, COMPLEMENTATION GROUP A. Identifiers: Orphanet 100, MedGen C0004135, MONDO:0008840, OMIM 208900.

Submissions (2):

Labcorp Genetics (formerly Invitae), Labcorp
Classification: Uncertain significance for Ataxia-telangiectasia syndrome. Last evaluated: 2024-08-19. Review status: criteria provided, single submitter. Criteria: Invitae Variant Classification Sherloc (09022015). Collection method: clinical testing. Allele origin: germline.
Comment: This sequence change replaces leucine, which is neutral and non-polar, with arginine, which is basic and polar, at codon 1606 of the ATM protein (p.Leu1606Arg). This variant is not present in population databases (gnomAD no frequency). This variant has not been reported in the literature in individuals affected with ATM-related conditions. ClinVar contains an entry for this variant (Variation ID: 481286). An algorithm developed to predict the effect of missense changes on protein structure and function (PolyPhen-2) suggests that this variant is likely to be disruptive. In summary, the available evidence is currently insufficient to determine the role of this variant in disease. Therefore, it has been classified as a Variant of Uncertain Significance.

Ambry Genetics
Classification: Uncertain significance for Hereditary cancer-predisposing syndrome. Last evaluated: 2016-09-20. Review status: criteria provided, single submitter. Criteria: Ambry Variant Classification Scheme 2023. Collection method: clinical testing. Allele origin: germline.
Comment: The p.L1606R variant (also known as c.4817T>G), located in coding exon 31 of the ATM gene, results from a T to G substitution at nucleotide position 4817. The leucine at codon 1606 is replaced by arginine, an amino acid with dissimilar properties. This variant was not reported in population based cohorts in the following databases: Database of Single Nucleotide Polymorphisms (dbSNP), NHLBI Exome Sequencing Project (ESP), and 1000 Genomes Project. In the ESP, this variant was not observed in 6499 samples (12998 alleles) with coverage at this position. To date, this alteration has been detected with an allele frequency of approximately 0.001% (greater than 180000 alleles tested) in our clinical cohort. This amino acid position is highly conserved in available vertebrate species. In addition, this alteration is predicted to be deleterious by in silico analysis. Since supporting evidence is limited at this time, the clinical significance of this alteration remains unclear.

NM_000051.4(ATM):c.4817T>G (p.Leu1606Arg)

Gene: ATM (ATM serine/threonine kinase; plus strand). Cytogenetic location: 11q22.3.
Variant type: single nucleotide variant.
Coding change: c.4817T>G on transcript NM_000051.4 (MANE Select); coding-DNA position 4817, T replaced by G.
Protein change: p.Leu1606Arg; replaces leucine 1606 with arginine.
Molecular consequence: missense variant.
Genome position (GRCh38, 1-based): chr11:108,294,967, T>G. VCF-style: chr11-108294967-T-G. GRCh37 (hg19) VCF-style: chr11-108165694-T-G.
Other names: c.4817T>G, p.Leu1606Arg (NM_001351834.2); short protein forms L1606R.
Identifiers: ClinVar variation 481286 (VCV000481286.7), dbSNP rs1555101727, ClinGen allele CA382536655.